The following is an entry in ClinVar:

ClinVar aggregate classification (germline): Pathogenic (1 of 4 stars; one submission).

Conditions:
Perrault syndrome. Also called: Gonadal dysgenesis with auditory dysfunction, autosomal recessive inheritance. Identifiers: Orphanet 2855, MedGen C0685838, MONDO:0017312.
Bifunctional peroxisomal enzyme deficiency (DBIF). Also called: DBP DEFICIENCY; PBFE DEFICIENCY; D-bifunctional protein deficiency. Identifiers: Orphanet 300, MedGen C0342870, MONDO:0009855, OMIM 261515. Disease mechanism: loss of function.

Submission:

Labcorp Genetics (formerly Invitae), Labcorp
Classification: Pathogenic for Perrault syndrome; Bifunctional peroxisomal enzyme deficiency. Last evaluated: 2023-05-12. Review status: criteria provided, single submitter. Criteria: Invitae Variant Classification Sherloc (09022015). Collection method: clinical testing. Allele origin: germline.
Comment: This sequence change creates a premature translational stop signal (p.Asn500Argfs*23) in the HSD17B4 gene. It is expected to result in an absent or disrupted protein product. Loss-of-function variants in HSD17B4 are known to be pathogenic (PMID: 11810648, 16385454, 20673864). This variant is not present in population databases (gnomAD no frequency). For these reasons, this variant has been classified as Pathogenic. This variant has not been reported in the literature in individuals affected with HSD17B4-related conditions.

Literature cited by the submitters: PubMed 11810648; PubMed 16385454; PubMed 20673864.

NM_000414.4(HSD17B4):c.1499_1502del (p.Asn500fs)

Gene: HSD17B4 (hydroxysteroid 17-beta dehydrogenase 4; plus strand). Cytogenetic location: 5q23.1.
Variant type: Deletion.
Coding change: c.1499_1502del on transcript NM_000414.4 (MANE Select); coding-DNA positions 1499 to 1502, 4 bases deleted (ATCA; older notation c.1499_1502delATCA).
Protein change: p.Asn500fs; shifts the reading frame from asparagine 500.
Molecular consequence: frameshift variant. On other transcripts: non-coding transcript variant (2).
Genome position (GRCh38, 1-based): chr5:119,515,042-119,515,045, ATCA deleted; deleting any 4 consecutive bases within chr5:119,515,041-119,515,045 gives the same sequence; the c. name uses the placement nearest the transcript's 3' end. VCF-style (leftmost placement, unchanged base first): chr5-119515040-TAATC-T. GRCh37 (hg19) VCF-style: chr5-118850735-TAATC-T.
Other names: c.1574_1577del, p.Asn525fs (NM_001199291.3); c.1445_1448del, p.Asn482fs (NM_001199292.2); c.1427_1430del, p.Asn476fs (NM_001292027.2, NM_001374498.1); c.1079_1082del, p.Asn360fs (NM_001292028.2); c.1490_1493del, p.Asn497fs (NM_001374497.1); c.1058_1061del, p.Asn353fs (NM_001374500.1); c.1088_1091del, p.Asn363fs (NM_001374501.1, NM_001374502.1, NM_001374503.1); c.1172_1175del, p.Asn391fs (NM_001374499.1); short protein forms N353fs, N363fs, N497fs, N500fs, N360fs, N482fs, N525fs, N391fs.
Identifiers: ClinVar variation 2947227 (VCV002947227.3), dbSNP rs2531841267, ClinGen allele CA2740094044.